The following is an entry in ClinVar:

NM_201550.4(LRRC10):c.401C>T (p.Thr134Ile)

Gene: LRRC10 (leucine rich repeat containing 10; minus strand). Cytogenetic location: 12q15.
Variant type: single nucleotide variant.
Coding change: c.401C>T on transcript NM_201550.4 (MANE Select); coding-DNA position 401, C replaced by T.
Protein change: p.Thr134Ile; replaces threonine 134 with isoleucine.
Molecular consequence: missense variant.
Genome position (GRCh38, 1-based): chr12:69,610,438, G>A on the plus strand (C>T on the coding strand, the complement: LRRC10 is on the minus strand). VCF-style: chr12-69610438-G-A. GRCh37 (hg19) VCF-style: chr12-70004218-G-A.
Other names: short protein forms T134I.
Identifiers: ClinVar variation 1945197 (VCV001945197.6), dbSNP rs1380534010, ClinGen allele CA385736720.

ClinVar aggregate classification (germline): Uncertain significance. Review status: criteria provided, multiple submitters, no conflicts (2 of 4 stars). 2 submissions from 2 submitters: Uncertain significance (2). Last evaluated 2025-07-13.

Allele frequency attached by ClinVar (database versions not stated): TOPMed 0.00005.

Submissions (2):

Labcorp Genetics (formerly Invitae), Labcorp
Classification: Uncertain significance. Last evaluated: 2025-07-13. Review status: criteria provided, single submitter. Criteria: Invitae Variant Classification Sherloc (09022015). Collection method: clinical testing. Allele origin: germline.
Comment: This sequence change replaces threonine, which is neutral and polar, with isoleucine, which is neutral and non-polar, at codon 134 of the LRRC10 protein (p.Thr134Ile). This variant is present in population databases (no rsID available, gnomAD 0.003%). This variant has not been reported in the literature in individuals affected with LRRC10-related conditions. ClinVar contains an entry for this variant (Variation ID: 1945197). An algorithm developed to predict the effect of missense changes on protein structure and function (PolyPhen-2) suggests that this variant is likely to be tolerated. In summary, the available evidence is currently insufficient to determine the role of this variant in disease. Therefore, it has been classified as a Variant of Uncertain Significance.

Ambry Genetics
Classification: Uncertain significance. Last evaluated: 2021-09-21. Review status: criteria provided, single submitter. Criteria: Ambry Variant Classification Scheme 2023. Collection method: clinical testing. Allele origin: germline.